The following is an entry in ClinVar:

NM_153000.5(APCDD1):c.1262A>T (p.Glu421Val)

Gene: APCDD1 (APC down-regulated 1; plus strand). Cytogenetic location: 18p11.22.
Variant type: single nucleotide variant.
Coding change: c.1262A>T on transcript NM_153000.5 (MANE Select); coding-DNA position 1262, A replaced by T.
Protein change: p.Glu421Val; replaces glutamic acid 421 with valine.
Molecular consequence: missense variant.
Genome position (GRCh38, 1-based): chr18:10,487,755, A>T. VCF-style: chr18-10487755-A-T. GRCh37 (hg19) VCF-style: chr18-10487752-A-T.
Other names: c.1262A>T (NM_153000.4); short protein forms E421V.
Identifiers: ClinVar variation 2168707 (VCV002168707.7), dbSNP rs139844939, ClinGen allele CA8891265.
Genomic context (GRCh38, chr18:10,487,755, plus strand): 5'-AGCAGGATGTGACCCACACCAATGGCTGCGTGGCCCTGGGCATCAAACTACCTCACACGG[A>T]GTACGAGATCTTCAAAATGGAACAGGATGCCCGGGGGCGCTATCTGCTGTTCAACGGTCA-3'
Protein context (NP_694545.1, residues 411-431): VALGIKLPHT[Glu421Val]YEIFKMEQDA

ClinVar aggregate classification (germline): Uncertain significance. Review status: criteria provided, multiple submitters, no conflicts (2 of 4 stars). 2 submissions from 2 submitters: Uncertain significance (2). Last evaluated 2025-09-25.

Allele frequency attached by ClinVar (database versions not stated): 1000 Genomes Project 30x 0.00016; 1000 Genomes Project 0.00020; ESP Exome Variant Server 0.00023.
gnomAD v4.1: 54 of 1,614,146 alleles (0.0033%); highest among the groups gnomAD compares: African/African-American, 0.055%; no homozygotes.

Submissions (2):

Ambry Genetics
Classification: Uncertain significance. Last evaluated: 2025-09-25. Review status: criteria provided, single submitter. Criteria: Ambry Variant Classification Scheme 2023. Collection method: clinical testing. Allele origin: germline.

Labcorp Genetics (formerly Invitae), Labcorp
Classification: Uncertain significance. Last evaluated: 2024-10-16. Review status: criteria provided, single submitter. Criteria: Invitae Variant Classification Sherloc (09022015). Collection method: clinical testing. Allele origin: germline.
Comment: This sequence change replaces glutamic acid, which is acidic and polar, with valine, which is neutral and non-polar, at codon 421 of the APCDD1 protein (p.Glu421Val). This variant is present in population databases (rs139844939, gnomAD 0.05%), and has an allele count higher than expected for a pathogenic variant. This variant has not been reported in the literature in individuals affected with APCDD1-related conditions. ClinVar contains an entry for this variant (Variation ID: 2168707). Invitae Evidence Modeling of protein sequence and biophysical properties (such as structural, functional, and spatial information, amino acid conservation, physicochemical variation, residue mobility, and thermodynamic stability) indicates that this missense variant is not expected to disrupt APCDD1 protein function with a negative predictive value of 80%. In summary, the available evidence is currently insufficient to determine the role of this variant in disease. Therefore, it has been classified as a Variant of Uncertain Significance.